The following is an entry in ClinVar:

ClinVar aggregate classification (germline): Benign/Likely benign. Review status: criteria provided, multiple submitters, no conflicts (2 of 4 stars). 6 submissions from 5 submitters: Benign (3); Likely benign (3). Last evaluated 2025-03-04.

Conditions:
Hereditary pheochromocytoma and paraganglioma. Also called: Hereditary paragangliomas and pheochromocytomas; Hereditary Paraganglioma-Pheochromocytoma Syndromes; Hereditary pheochromocytoma-paraganglioma. Identifiers: Orphanet 29072, MedGen C4274332, MONDO:0017366.
Pheochromocytoma/paraganglioma syndrome 4. Also called: PARAGANGLIOMA, FAMILIAL MALIGNANT; PARAGANGLIOMAS, HEREDITARY EXTRAADRENAL; PHEOCHROMOCYTOMA, FAMILIAL EXTRAADRENAL; Paragangliomas 4; SDHB-Related Hereditary Paraganglioma-Pheochromocytoma Syndrome (Paragangliomas 4); SDHB-Related Hereditary Paraganglioma-Pheochromocytoma Syndrome. Identifiers: Orphanet 29072, MedGen C1861848, MONDO:0007273, OMIM 115310.
Carney-Stratakis syndrome. Also called: PARAGANGLIOMA AND GASTROINTESTINAL STROMAL TUMOR. Identifiers: Orphanet 97286, MedGen C1847319, MONDO:0011740, OMIM 606864.

Allele frequency attached by ClinVar (database versions not stated): 1000 Genomes Project 30x 0.00531; 1000 Genomes Project 0.00559; gnomAD 0.00411; ESP Exome Variant Server 0.00416; TOPMed 0.00453.

Submissions (6):

Center for Genomic Medicine, Rigshospitalet, Copenhagen University Hospital
Classification: Benign. Last evaluated: 2025-03-04. Review status: criteria provided, single submitter. Criteria: ACMG Guidelines, 2015. Collection method: clinical testing. Allele origin: germline.

KCCC/NGS Laboratory, Kuwait Cancer Control Center
Classification: Likely benign for Pheochromocytoma/paraganglioma syndrome 4. Last evaluated: 2023-07-07. Review status: criteria provided, single submitter. Criteria: ACMG Guidelines, 2015. Collection method: clinical testing. Allele origin: germline. Affected: yes.

Illumina Laboratory Services, Illumina
Classification: Benign for Hereditary Paraganglioma-Pheochromocytoma Syndromes. Last evaluated: 2018-01-13. Review status: criteria provided, single submitter. Criteria: ICSL Variant Classification Criteria 13 December 2019. Collection method: clinical testing. Allele origin: germline.
Comment: This variant was observed in the ICSL laboratory as part of a predisposition screen in an ostensibly healthy population. It had not been previously curated by ICSL or reported in the Human Gene Mutation Database (HGMD: prior to June 1st, 2018), and was therefore a candidate for classification through an automated scoring system. Utilizing variant allele frequency, disease prevalence and penetrance estimates, and inheritance mode, an automated score was calculated to assess if this variant is too frequent to cause the disease. Based on the score and internal cut-off values, a variant classified as benign is not then subjected to further curation. The score for this variant resulted in a classification of benign for this disease.

Illumina Laboratory Services, Illumina
Classification: Benign for Carney-Stratakis syndrome. Last evaluated: 2018-01-13. Review status: criteria provided, single submitter. Criteria: ICSL Variant Classification Criteria 13 December 2019. Collection method: clinical testing. Allele origin: germline.
Comment: the same text as in the submission from Illumina Laboratory Services, Illumina above.

GeneDx
Classification: Likely benign. Last evaluated: 2017-10-13. Review status: criteria provided, single submitter. Criteria: GeneDx Variant Classification (06012015). Collection method: clinical testing. Allele origin: germline. Affected: yes.
Comment: This variant is considered likely benign or benign based on one or more of the following criteria: it is a conservative change, it occurs at a poorly conserved position in the protein, it is predicted to be benign by multiple in silico algorithms, and/or has population frequency not consistent with disease.

Breakthrough Genomics
Classification: Likely benign. Review status: criteria provided, single submitter. Criteria: ACMG Guidelines, 2015. Collection method: not provided. Allele origin: germline. Inheritance: Autosomal recessive inheritance. Affected: yes.

NM_003000.3(SDHB):c.-37T>C

Gene: SDHB (succinate dehydrogenase complex iron sulfur subunit B; minus strand). Cytogenetic location: 1p36.13.
Variant type: single nucleotide variant.
Coding change: c.-37T>C on transcript NM_003000.3 (MANE Select); 37 bases upstream of the start codon, T replaced by C.
Genome position (GRCh38, 1-based): chr1:17,054,056, A>G on the plus strand (T>C on the coding strand, the complement: SDHB is on the minus strand). VCF-style: chr1-17054056-A-G. GRCh37 (hg19) VCF-style: chr1-17380551-A-G.
Identifiers: ClinVar variation 293817 (VCV000293817.15), dbSNP rs143031690, ClinGen allele CA089599.